The following is an entry in ClinVar:

ClinVar aggregate classification (germline): Uncertain significance (1 of 4 stars; one submission).

Submission:

GeneDx
Classification: Uncertain significance. Last evaluated: 2024-08-02. Review status: criteria provided, single submitter. Criteria: GeneDx Variant Classification Process June 2021. Collection method: clinical testing. Allele origin: germline. Affected: yes.
Comment: Not observed at significant frequency in large population cohorts (gnomAD); In silico analysis supports that this missense variant has a deleterious effect on protein structure/function; Has not been previously published as pathogenic or benign to our knowledge

NM_002232.5(KCNA3):c.1348A>T (p.Met450Leu)

Gene: KCNA3 (potassium voltage-gated channel subfamily A member 3; minus strand). Cytogenetic location: 1p13.3.
Variant type: single nucleotide variant.
Coding change: c.1348A>T on transcript NM_002232.5 (MANE Select); coding-DNA position 1348, A replaced by T.
Protein change: p.Met450Leu; replaces methionine 450 with leucine.
Molecular consequence: missense variant.
Genome position (GRCh38, 1-based): chr1:110,673,462, T>A on the plus strand (A>T on the coding strand, the complement: KCNA3 is on the minus strand). VCF-style: chr1-110673462-T-A. GRCh37 (hg19) VCF-style: chr1-111216084-T-A.
Other names: short protein forms M450L.
Identifiers: ClinVar variation 3602151 (VCV003602151.1).
Genomic context (GRCh38, chr1:110,673,462, plus strand): 5'-AGACACCGGCGATGGCACAGAGAGATCCCACAATCTTGCCCCCTATGGTCACTGGGTGCA[T>A]ATCGCCGTAACCCACTGTTGTCATGGTTACCACTGCCCACCAGAAGGCATCCGGGATGCT-3'
Protein context (NP_002223.3, residues 440-460): VTMTTVGYGD[Met450Leu]HPVTIGGKIV